The following is an entry in ClinVar:

ClinVar aggregate classification (germline): Pathogenic/Likely pathogenic. Review status: criteria provided, multiple submitters, no conflicts (2 of 4 stars). 6 submissions from 6 submitters: Pathogenic (4); Likely pathogenic (2). Last evaluated 2026-01-18.

Conditions:
SDHD-related disorder. Also called: SDHD-related condition.
Hereditary cancer-predisposing syndrome. Also called: Hereditary neoplastic syndrome; Tumor predisposition; Neoplastic Syndromes, Hereditary; Hereditary Cancer Syndrome. Identifiers: Orphanet 140162, MedGen C0027672, MeSH D009386, MONDO:0015356.
Carney-Stratakis syndrome. Also called: PARAGANGLIOMA AND GASTROINTESTINAL STROMAL TUMOR. Identifiers: Orphanet 97286, MedGen C1847319, MONDO:0011740, OMIM 606864.
Pheochromocytoma. Also called: MAX-Related Hereditary Paraganglioma-Pheochromocytoma Syndrome. Identifiers: Orphanet 29072, MedGen C0031511, MONDO:0008233, OMIM 171300, HP:0002666.
Cowden syndrome 3 (CWS3). Identifiers: Orphanet 201, MedGen CN166604, MONDO:0014045.
Paragangliomas with sensorineural hearing loss. Identifiers: MedGen C1868633.
Pheochromocytoma/paraganglioma syndrome 1. Also called: PARAGANGLIOMAS, FAMILIAL NONCHROMAFFIN, 1; PGL 1; Paragangliomas familial 1; PARAGANGLIOMATA; Paragangliomas 1; Glomus tumors familial 1. Identifiers: Orphanet 29072, MedGen C3494181, MONDO:0008192, OMIM 168000.

Submissions (6):

Labcorp Genetics (formerly Invitae), Labcorp
Classification: Pathogenic for Carney-Stratakis syndrome; Paragangliomas with sensorineural hearing loss; Pheochromocytoma; Cowden syndrome 3. Last evaluated: 2026-01-18. Review status: criteria provided, single submitter. Criteria: Invitae Variant Classification Sherloc (09022015). Collection method: clinical testing. Allele origin: germline.
Comment: This sequence change replaces glycine, which is neutral and non-polar, with valine, which is neutral and non-polar, at codon 106 of the SDHD protein (p.Gly106Val). This variant is not present in population databases (gnomAD no frequency). This missense change has been observed in individuals with hereditary paraganglioma-pheochromocytoma (PGL-PCC) syndrome (PMID: 19351833; external communication, internal data). ClinVar contains an entry for this variant (Variation ID: 480806). Invitae Evidence Modeling of protein sequence and biophysical properties (such as structural, functional, and spatial information, amino acid conservation, physicochemical variation, residue mobility, and thermodynamic stability) indicates that this missense variant is expected to disrupt SDHD protein function with a positive predictive value of 95%. This variant disrupts the p.Gly106 amino acid residue in SDHD. Other variant(s) that disrupt this residue have been determined to be pathogenic (PMID: 17041923, 17102085, 19550080, 22241717, 22566194, 23175444, 29925701). This suggests that this residue is clinically significant, and that variants that disrupt this residue are likely to be disease-causing. For these reasons, this variant has been classified as Pathogenic.

CeGaT Center for Human Genetics Tuebingen
Classification: Likely pathogenic. Last evaluated: 2025-07-01. Review status: criteria provided, single submitter. Criteria: CeGaT Center For Human Genetics Tuebingen Variant Classification Criteria Version 2. Collection method: clinical testing. Allele origin: germline. Affected: yes. Observed: 4 variant alleles.
Comment: SDHD: PM2, PM5, PS4:Moderate, PP1

Ambry Genetics
Classification: Pathogenic for Hereditary cancer-predisposing syndrome. Last evaluated: 2025-05-22. Review status: criteria provided, single submitter. Criteria: Ambry Variant Classification Scheme 2023. Collection method: clinical testing. Allele origin: germline.
Comment: The p.G106V variant (also known as c.317G>T), located in coding exon 4 of the SDHD gene, results from a G to T substitution at nucleotide position 317. The glycine at codon 106 is replaced by valine, an amino acid with dissimilar properties. This alteration has been reported in multiple probands with head and neck paragangliomas (Neumann HP et al. Cancer Res. 2009 Apr;69(8):3650-6, Ambry internal data). Another alteration at the same position, c.317G>A, has also been reported in numerous individuals with paragangliomas (Ogawa et al. Am J Med Genet.A. 2006. 140(22):2441-2446 and Yamashita et al. Endocr J. 2009. 56(9):1129-1135, Trache MC et al. Cureus, 2022 Apr;14:e24143, Ambry internal data). This amino acid position is highly conserved in available vertebrate species. In addition, this alteration is predicted to be deleterious by in silico analysis. Another variant at the same codon, p.G106D (c.317G>A), has been identified in individual(s) with features consistent with SDHD-related paraganglioma-pheochromocytoma syndrome (citation; Ambry internal data). This variant is considered to be rare based on population cohorts in the Genome Aggregation Database (gnomAD). Based on the supporting evidence, this variant is interpreted as a disease-causing mutation.

Molecular Pathology, Peter Maccallum Cancer Centre
Classification: Pathogenic for Pheochromocytoma/paraganglioma syndrome 1. Last evaluated: 2025-02-03. Review status: criteria provided, single submitter. Criteria: ACMG Guidelines, 2015. Collection method: clinical testing. Allele origin: germline. Inheritance: Autosomal dominant inheritance.

PreventionGenetics, part of Exact Sciences
Classification: Likely pathogenic for SDHD-related condition. Last evaluated: 2022-09-15. Review status: criteria provided, single submitter. Criteria: ACMG Guidelines, 2015. Collection method: clinical testing. Allele origin: germline.
Comment: The SDHD c.317G>T variant is predicted to result in the amino acid substitution p.Gly106Val. This variant has been reported in multiple individuals with pheochromocytomas and/or paragangliomas (Table S1, Neumann et al. 2009. PubMed ID: 19351833; Table S2, Garrett et al. 2022. PubMed ID: 34906457; Internal Data, PreventionGenetics). It has also been reported to co-segregate with pheochromocytoma-paraganglioma syndrome in two independent multigenerational families (Table 1, Knie et al. 2016. PubMed ID: 26740102; Figure 1, Trache et al. 2022. PubMed ID: 35582561). This variant is not present in a large population database, indicating that it is rare. It is interpreted as likely pathogenic and pathogenic in ClinVar. In addition, a different amino acid substitution at this position (p.Gly106Asp) was previously reported in several individuals with paraganglioma and is interpreted as pathogenic in ClinVar (Ogawa et al. 2006. PubMed ID: 17041923; Yamashita et al. 2009. PubMed ID: 19550080; Panizza et al. 2013. PubMed ID: 23175444). The c.317G>T (p.Gly106Val) variant is interpreted as likely pathogenic.

Center for Human Genetics, Inc
Classification: Pathogenic for Paragangliomas with sensorineural hearing loss. Last evaluated: 2016-11-01. Review status: criteria provided, single submitter. Criteria: ACMG Guidelines, 2015. Collection method: clinical testing. Allele origin: germline. Affected: yes.

Literature cited by the submitters: PubMed 19351833 (cited by Labcorp Genetics (formerly Invitae), Labcorp and Ambry Genetics); PubMed 17041923 (cited by Labcorp Genetics (formerly Invitae), Labcorp); PubMed 17102085 (cited by Labcorp Genetics (formerly Invitae), Labcorp); PubMed 19550080 (cited by Labcorp Genetics (formerly Invitae), Labcorp); PubMed 22241717 (cited by Labcorp Genetics (formerly Invitae), Labcorp); PubMed 22566194 (cited by Labcorp Genetics (formerly Invitae), Labcorp); PubMed 23175444 (cited by Labcorp Genetics (formerly Invitae), Labcorp); PubMed 29925701 (cited by Labcorp Genetics (formerly Invitae), Labcorp); PubMed 35582561 (cited by Ambry Genetics).

NM_003002.4(SDHD):c.317G>T (p.Gly106Val)

Gene: SDHD (succinate dehydrogenase complex subunit D; plus strand). Cytogenetic location: 11q23.1.
Variant type: single nucleotide variant.
Coding change: c.317G>T on transcript NM_003002.4 (MANE Select); coding-DNA position 317, G replaced by T.
Protein change: p.Gly106Val; replaces glycine 106 with valine.
Molecular consequence: missense variant. On other transcripts: 3 prime UTR variant (1), non-coding transcript variant (1).
Genome position (GRCh38, 1-based): chr11:112,094,807, G>T. VCF-style: chr11-112094807-G-T. GRCh37 (hg19) VCF-style: chr11-111965531-G-T.
Other names: c.172G>T, p.Ala58Ser (NM_001276503.2); c.200G>T, p.Gly67Val (NM_001276504.2); c.*15G>T (NM_001276506.2); short protein forms G106V, G67V, A58S.
Identifiers: ClinVar variation 480806 (VCV000480806.30), dbSNP rs1555187574, ClinGen allele CA382618730.